The following is an entry in ClinVar:

NM_014845.6(FIG4):c.2097-10C>G

Gene: FIG4 (FIG4 phosphoinositide 5-phosphatase; plus strand). Cytogenetic location: 6q21.
Variant type: single nucleotide variant.
Coding change: c.2097-10C>G on transcript NM_014845.6 (MANE Select); 10 bases into the intron before coding-DNA position 2097, C replaced by G.
Molecular consequence: intron variant.
Genome position (GRCh38, 1-based): chr6:109,789,584, C>G. VCF-style: chr6-109789584-C-G. GRCh37 (hg19) VCF-style: chr6-110110787-C-G.
Identifiers: ClinVar variation 260448 (VCV000260448.34), dbSNP rs142482745, ClinGen allele CA3956286.

ClinVar aggregate classification (germline): Conflicting classifications of pathogenicity. Review status: criteria provided, conflicting classifications (1 of 4 stars). 14 submissions from 13 submitters: Uncertain significance (2); Benign (3); Likely benign (6). 3 of the submissions do not count toward it. Last evaluated 2026-04-27.

Conditions:
Charcot-Marie-Tooth disease. Also called: Charcot-Marie-Tooth Hereditary Neuropathy; Charcot-Marie-Tooth Neuropathy. Identifiers: Orphanet 166, MedGen C0007959, MONDO:0015626.
Amyotrophic lateral sclerosis type 11 (ALS11). Identifiers: Orphanet 803, MedGen C2675491, MONDO:0012945, OMIM 612577.
Charcot-Marie-Tooth disease type 4J (CMT4J). Also called: CHARCOT-MARIE-TOOTH DISEASE, AUTOSOMAL RECESSIVE, TYPE 4J; Charcot-Marie-Tooth Neuropathy Type 4J; CHARCOT-MARIE-TOOTH DISEASE, DEMYELINATING, TYPE 4J. Identifiers: Orphanet 139515, MedGen C1970011, MONDO:0012640, OMIM 611228.
Charcot-Marie-Tooth disease type 4. Also called: Charcot-Marie-Tooth disease, type IV; Charcot-Marie-Tooth, Type 4. Identifiers: Orphanet 64749, MedGen C4082197, MONDO:0018995.

Allele frequency attached by ClinVar (database versions not stated): ESP Exome Variant Server 0.00008; ExAC 0.00060; TOPMed 0.00061; 1000 Genomes Project 30x 0.00062; 1000 Genomes Project 0.00080.
gnomAD v4.1: 1,598 of 1,606,644 alleles (0.099%); highest among the groups gnomAD compares: Non-Finnish European, 0.13%; 1 homozygote.

Submissions (17):

Women's Health and Genetics/Laboratory Corporation of America, LabCorp
Classification: Benign. Last evaluated: 2026-04-27. Review status: criteria provided, single submitter. Criteria: LabCorp Variant Classification Summary - May 2015. Collection method: clinical testing. Allele origin: germline.
Comment: Variant summary: FIG4 c.2097-10C>G alters a conserved nucleotide located at a position not widely known to affect splicing. Consensus agreement among computation tools predict no significant impact on normal splicing. However, these predictions have yet to be confirmed by functional studies. The variant allele was found at a frequency of 0.0007 in 251282 control chromosomes, predominantly at a frequency of 0.0014 within the Non-Finnish European subpopulation in the gnomAD database, including 1 homozygotes. The observed variant frequency within Non-Finnish European control individuals in the gnomAD database exceeds the estimated maximal expected allele frequency for disease-causing variants in FIG4. To our knowledge, no occurrence of c.2097-10C>G in individuals affected with FIG4-related conditions and no experimental evidence demonstrating its impact on protein function have been reported. ClinVar contains an entry for this variant (Variation ID: 260448). Based on the evidence outlined above, the variant was classified as benign.

Labcorp Genetics (formerly Invitae), Labcorp
Classification: Likely benign for Charcot-Marie-Tooth disease type 4. Last evaluated: 2026-01-26. Review status: criteria provided, single submitter. Criteria: Invitae Variant Classification Sherloc (09022015). Collection method: clinical testing. Allele origin: germline.

Athena Diagnostics
Classification: Benign. Last evaluated: 2025-06-27. Review status: criteria provided, single submitter. Criteria: Athena Diagnostics Criteria. Collection method: clinical testing. Allele origin: unknown.
Comment: The frequency of this variant in the general population is higher than would generally be expected for pathogenic variants in this gene. Computational tools yielded predictions that this variant is unlikely to have an effect on normal RNA splicing. This nucleotide position exhibits low evolutionary conservation. This variant has been seen where an alternate explanation for disease was also identified.

Blueprint Genetics
Classification: Likely benign. Last evaluated: 2024-08-29. Review status: criteria provided, single submitter. Criteria: ACMG Guidelines, 2015. Collection method: clinical testing. Allele origin: germline.

ARUP Laboratories, Molecular Genetics and Genomics, ARUP Laboratories
Classification: Likely benign. Last evaluated: 2022-02-01. Review status: criteria provided, single submitter. Criteria: ARUP Molecular Germline Variant Investigation Process 2021. Collection method: clinical testing. Allele origin: germline.

Illumina Laboratory Services, Illumina
Classification: Likely benign for Amyotrophic lateral sclerosis type 11. Last evaluated: 2018-01-13. Review status: criteria provided, single submitter. Criteria: ICSL Variant Classification Criteria 13 December 2019. Collection method: clinical testing. Allele origin: germline.
Comment: This variant was observed in the ICSL laboratory as part of a predisposition screen in an ostensibly healthy population. It had not been previously curated by ICSL or reported in the Human Gene Mutation Database (HGMD: prior to June 1st, 2018), and was therefore a candidate for classification through an automated scoring system. Utilizing variant allele frequency, disease prevalence and penetrance estimates, and inheritance mode, an automated score was calculated to assess if this variant is too frequent to cause the disease. Based on the score and internal cut-off values, a variant classified as likely benign is not then subjected to further curation. The score for this variant resulted in a classification of likely benign for this disease.

Illumina Laboratory Services, Illumina
Classification: Uncertain significance for Charcot-Marie-Tooth disease type 4J. Last evaluated: 2018-01-13. Review status: criteria provided, single submitter. Criteria: ICSL Variant Classification Criteria 13 December 2019. Collection method: clinical testing. Allele origin: germline.

Eurofins Ntd Llc (ga)
Classification: Uncertain significance. Last evaluated: 2015-09-23. Review status: criteria provided, single submitter. Criteria: EGL Classification Definitions 2015. Collection method: clinical testing. Allele origin: germline. Observed: 1 variant allele, 1 heterozygote.

GeneDx
Classification: Benign. Last evaluated: 2015-09-02. Review status: criteria provided, single submitter. Criteria: GeneDx Variant Classification (06012015). Collection method: clinical testing. Allele origin: germline. Affected: yes.
Comment: This variant is considered likely benign or benign based on one or more of the following criteria: it is a conservative change, it occurs at a poorly conserved position in the protein, it is predicted to be benign by multiple in silico algorithms, and/or has population frequency not consistent with disease.

Molecular Genetics Laboratory, London Health Sciences Centre
Classification: Likely benign for Charcot-Marie-Tooth disease. Review status: criteria provided, single submitter. Criteria: ACMG Guidelines, 2015. Collection method: clinical testing. Allele origin: germline. Affected: yes.

PreventionGenetics, part of Exact Sciences
Classification: Likely benign. Review status: criteria provided, single submitter. Criteria: ACMG Guidelines, 2015. Collection method: clinical testing. Allele origin: germline.

Clinical Genetics DNA and cytogenetics Diagnostics Lab, Erasmus MC, Erasmus Medical Center
Classification: Likely benign. Review status: no assertion criteria provided. Collection method: clinical testing. Allele origin: germline. Affected: yes. Study: VKGL Data-share Consensus. Not counted in ClinVar's aggregate classification.

Clinical Genetics, Academic Medical Center
Classification: Benign. Review status: no assertion criteria provided. Collection method: clinical testing. Allele origin: germline. Affected: yes. Study: VKGL Data-share Consensus. Not counted in ClinVar's aggregate classification.

Dr. Peter K. Rogan Lab, Western University
No classification provided (evidence only). Condition: Sarcoma. Review status: no classification provided. Collection method: in vitro. Allele origin: not applicable. Functional consequence: retained intron. Not counted in ClinVar's aggregate classification.

Dr. Peter K. Rogan Lab, Western University
No classification provided (evidence only). Condition: Malignant tumor of esophagus. Review status: no classification provided. Collection method: in vitro. Allele origin: not applicable. Functional consequence: retained intron. Not counted in ClinVar's aggregate classification.

Dr. Peter K. Rogan Lab, Western University
No classification provided (evidence only). Condition: Malignant tumor of esophagus. Review status: no classification provided. Collection method: in vitro. Allele origin: not applicable. Functional consequence: retained intron. Not counted in ClinVar's aggregate classification.

Genome Diagnostics Laboratory, University Medical Center Utrecht
Classification: Benign. Review status: no assertion criteria provided. Collection method: clinical testing. Allele origin: germline. Affected: yes. Study: VKGL Data-share Consensus. Not counted in ClinVar's aggregate classification.